The following is an entry in ClinVar:

NM_001958.5(EEF1A2):c.717G>A (p.Thr239=)

Gene: EEF1A2 (eukaryotic translation elongation factor 1 alpha 2; minus strand). Cytogenetic location: 20q13.33.
Variant type: single nucleotide variant.
Coding change: c.717G>A on transcript NM_001958.5 (MANE Select); coding-DNA position 717, G replaced by A.
Protein change: p.Thr239=; no amino-acid change (threonine 239 retained).
Molecular consequence: synonymous variant.
Genome position (GRCh38, 1-based): chr20:63,493,192, C>T on the plus strand (G>A on the coding strand, the complement: EEF1A2 is on the minus strand). VCF-style: chr20-63493192-C-T. GRCh37 (hg19) VCF-style: chr20-62124545-C-T.
Identifiers: ClinVar variation 1095763 (VCV001095763.34), dbSNP rs1355719317, ClinGen allele CA511205354.

ClinVar aggregate classification (germline): Likely benign. Review status: criteria provided, multiple submitters, no conflicts (2 of 4 stars). 3 submissions from 3 submitters: Likely benign (3). Last evaluated 2023-11-01.

Conditions:
Developmental and epileptic encephalopathy, 33 (DEE33). Also called: Epileptic encephalopathy, early infantile, 33. Identifiers: Orphanet 442835, MedGen C4225337, MONDO:0014625, OMIM 616409.
Inborn genetic diseases. Identifiers: MedGen C0950123, MeSH D030342.

Allele frequency attached by ClinVar (database versions not stated): gnomAD exomes 0.00002; gnomAD 0.00003.
gnomAD v4.1: 13 of 1,548,640 alleles (0.00084%); highest among the groups gnomAD compares: South Asian, 0.0024%; no homozygotes.

Submissions (3):

CeGaT Center for Human Genetics Tuebingen
Classification: Likely benign. Last evaluated: 2023-11-01. Review status: criteria provided, single submitter. Criteria: CeGaT Center For Human Genetics Tuebingen Variant Classification Criteria Version 2. Collection method: clinical testing. Allele origin: germline. Affected: yes. Observed: 1 variant allele.
Comment: EEF1A2: BP4, BP7

Labcorp Genetics (formerly Invitae), Labcorp
Classification: Likely benign for Developmental and epileptic encephalopathy, 33. Last evaluated: 2021-05-29. Review status: criteria provided, single submitter. Criteria: Invitae Variant Classification Sherloc (09022015). Collection method: clinical testing. Allele origin: germline.

Ambry Genetics
Classification: Likely benign for Inborn genetic diseases. Last evaluated: 2017-09-21. Review status: criteria provided, single submitter. Criteria: Ambry Variant Classification Scheme 2023. Collection method: clinical testing. Allele origin: germline.